The following is an entry in ClinVar:

NM_000843.4(GRM6):c.1262C>T (p.Ala421Val)

Genes: GRM6 (glutamate metabotropic receptor 6; minus strand), ZNF454 (zinc finger protein 454; plus strand). Cytogenetic location: 5q35.3.
Variant type: single nucleotide variant.
Coding change: c.1262C>T on transcript NM_000843.4 (MANE Select); coding-DNA position 1262, C replaced by T.
Protein change: p.Ala421Val; replaces alanine 421 with valine.
Molecular consequence: missense variant.
Genome position (GRCh38, 1-based): chr5:178,989,027, G>A on the plus strand (C>T on the coding strand, the complement: GRM6 is on the minus strand). VCF-style: chr5-178989027-G-A. GRCh37 (hg19) VCF-style: chr5-178416028-G-A.
Other names: short protein forms A421V.
Identifiers: ClinVar variation 950227 (VCV000950227.8), dbSNP rs201846399, ClinGen allele CA3594142.

ClinVar aggregate classification (germline): Uncertain significance. Review status: criteria provided, multiple submitters, no conflicts (2 of 4 stars). 2 submissions from 2 submitters: Uncertain significance (2). Last evaluated 2025-12-15.

Conditions:
Inborn genetic diseases. Identifiers: MedGen C0950123, MeSH D030342.

Allele frequency attached by ClinVar (database versions not stated): gnomAD exomes 0.00004 and 0.00010; gnomAD 0.00005 and 0.00004; ExAC 0.00009; TOPMed 0.00009; 1000 Genomes Project 30x 0.00016; 1000 Genomes Project 0.00020.
gnomAD v4.1: 58 of 1,613,976 alleles (0.0036%); highest among the groups gnomAD compares: Admixed American, 0.045%; 1 homozygote.

Submissions (3):

Ambry Genetics
Classification: Uncertain significance for Inborn genetic diseases. Last evaluated: 2025-12-15. Review status: criteria provided, single submitter. Criteria: Ambry Variant Classification Scheme 2023. Collection method: clinical testing. Allele origin: germline.

Labcorp Genetics (formerly Invitae), Labcorp
Classification: Uncertain significance. Last evaluated: 2025-03-31. Review status: criteria provided, single submitter. Criteria: Invitae Variant Classification Sherloc (09022015). Collection method: clinical testing. Allele origin: germline.
Comment: This sequence change replaces alanine, which is neutral and non-polar, with valine, which is neutral and non-polar, at codon 421 of the GRM6 protein (p.Ala421Val). This variant is present in population databases (rs201846399, gnomAD 0.04%). This variant has not been reported in the literature in individuals affected with GRM6-related conditions. ClinVar contains an entry for this variant (Variation ID: 950227). Invitae Evidence Modeling of protein sequence and biophysical properties (such as structural, functional, and spatial information, amino acid conservation, physicochemical variation, residue mobility, and thermodynamic stability) indicates that this missense variant is not expected to disrupt GRM6 protein function with a negative predictive value of 95%. In summary, the available evidence is currently insufficient to determine the role of this variant in disease. Therefore, it has been classified as a Variant of Uncertain Significance.

Dr. Peter K. Rogan Lab, Western University
No classification provided (evidence only). Condition: Clear cell carcinoma of kidney. Review status: no classification provided. Collection method: in vitro. Allele origin: not applicable. Functional consequence: retained intron. Not counted in ClinVar's aggregate classification.